The following is an entry in ClinVar:

ClinVar aggregate classification (germline): Uncertain significance (1 of 4 stars; one submission).

Conditions:
FBN1-related disorder. Also called: FBN1-related disorders.

Submission:

PreventionGenetics, part of Exact Sciences
Classification: Uncertain significance for FBN1-related condition. Last evaluated: 2024-12-19. Review status: criteria provided, single submitter. Criteria: ACMG Guidelines, 2015. Collection method: clinical testing. Allele origin: germline.
Comment: The FBN1 c.2946C>G variant is predicted to result in the amino acid substitution p.Cys982Trp. This variant has been reported in at least four individuals with Marfan syndrome (Supplementary Table 2, Franken et al. 2016. PubMed ID: 26787436). This variant has not been reported in a large population database, indicating this variant is rare. At this time, the clinical significance of this variant is uncertain due to the absence of conclusive functional and genetic evidence.

NM_000138.5(FBN1):c.2946C>G (p.Cys982Trp)

Gene: FBN1 (fibrillin 1; minus strand). Cytogenetic location: 15q21.1.
Variant type: single nucleotide variant.
Coding change: c.2946C>G on transcript NM_000138.5 (MANE Select); coding-DNA position 2946, C replaced by G.
Protein change: p.Cys982Trp; replaces cysteine 982 with tryptophan.
Molecular consequence: missense variant.
Genome position (GRCh38, 1-based): chr15:48,489,987, G>C on the plus strand (C>G on the coding strand, the complement: FBN1 is on the minus strand). VCF-style: chr15-48489987-G-C. GRCh37 (hg19) VCF-style: chr15-48782184-G-C.
Other names: c.2946C>G, p.Cys982Trp (NM_001406716.1); short protein forms C982W.
Identifiers: ClinVar variation 3031277 (VCV003031277.3), dbSNP rs2505558300, ClinGen allele CA392329557.
Genomic context (GRCh38, chr15:48,489,987, plus strand): 5'-AGGAGTATTTCTCATGGGACACTCCTCGCATTCCTCAGTACCCCAGGCTGCCCCGACGGA[G>C]CAGCAGCAGGCGTCCATGCGGTGGCGGCCAGCAATAGGCAGGGTGCACTCCTCGTCCTCG-3'
Protein context (NP_000129.3, residues 972-992): AGRHRMDACC[Cys982Trp]SVGAAWGTEE